The following is an entry in ClinVar:

NM_000038.6(APC):c.7872T>G (p.Asn2624Lys)

Gene: APC (APC regulator of Wnt signaling pathway; plus strand). Cytogenetic location: 5q22.2.
Variant type: single nucleotide variant.
Coding change: c.7872T>G on transcript NM_000038.6 (MANE Select); coding-DNA position 7872, T replaced by G.
Protein change: p.Asn2624Lys; replaces asparagine 2624 with lysine.
Molecular consequence: missense variant.
Genome position (GRCh38, 1-based): chr5:112,843,466, T>G. VCF-style: chr5-112843466-T-G. GRCh37 (hg19) VCF-style: chr5-112179163-T-G.
Other names: c.7872T>G, p.Asn2624Lys (NM_001127510.3, NM_001354895.2, NM_001407450.1); c.7818T>G, p.Asn2606Lys (NM_001127511.3); c.7926T>G, p.Asn2642Lys (NM_001354896.2, NM_001407447.1, NM_001407448.1 and 1 more transcripts); c.7902T>G, p.Asn2634Lys (NM_001354897.2); c.7797T>G, p.Asn2599Lys (NM_001354898.2); c.7788T>G, p.Asn2596Lys (NM_001354899.2); c.7749T>G, p.Asn2583Lys (NM_001354900.2); c.7695T>G, p.Asn2565Lys (NM_001354901.2, NM_001407453.1); and 11 more; short protein forms N2464K, N2533K, N2541K, N2240K, N2341K, N2495K, N2523K, N2599K.
Identifiers: ClinVar variation 1760974 (VCV001760974.8), dbSNP rs1298254479, ClinGen allele CA16038437.

ClinVar aggregate classification (germline): Uncertain significance. Review status: criteria provided, multiple submitters, no conflicts (2 of 4 stars). 2 submissions from 2 submitters: Uncertain significance (2). Last evaluated 2025-08-21.

Conditions:
Hereditary cancer-predisposing syndrome. Also called: Neoplastic Syndromes, Hereditary; Tumor predisposition; Hereditary Cancer Syndrome; Hereditary neoplastic syndrome. Identifiers: Orphanet 140162, MedGen C0027672, MeSH D009386, MONDO:0015356.
Familial adenomatous polyposis 1 (FAP1). Also called: FAMILIAL ADENOMATOUS POLYPOSIS 1, ATTENUATED; POLYPOSIS, ADENOMATOUS INTESTINAL. Identifiers: MedGen C2713442, MONDO:0021056, OMIM 175100. Disease mechanism: loss of function.

Submissions (2):

Ambry Genetics
Classification: Uncertain significance for Hereditary cancer-predisposing syndrome. Last evaluated: 2025-08-21. Review status: criteria provided, single submitter. Criteria: Ambry Variant Classification Scheme 2023. Collection method: clinical testing. Allele origin: germline.
Comment: The p.N2624K variant (also known as c.7872T>G), located in coding exon 15 of the APC gene, results from a T to G substitution at nucleotide position 7872. The asparagine at codon 2624 is replaced by lysine, an amino acid with similar properties. This amino acid position is not well conserved in available vertebrate species. In addition, in silico predictors for this gene do not accurately predict pathogenicity. Missense alterations in APC are not a common cause of disease (Spier I et al. Genet Med. 2024 Feb;26(2):100992). Based on the available evidence, the clinical significance of this variant remains unclear.

Labcorp Genetics (formerly Invitae), Labcorp
Classification: Uncertain significance for Familial adenomatous polyposis 1. Last evaluated: 2024-05-08. Review status: criteria provided, single submitter. Criteria: Invitae Variant Classification Sherloc (09022015). Collection method: clinical testing. Allele origin: germline.
Comment: This sequence change replaces asparagine, which is neutral and polar, with lysine, which is basic and polar, at codon 2624 of the APC protein (p.Asn2624Lys). This variant is not present in population databases (gnomAD no frequency). This variant has not been reported in the literature in individuals affected with APC-related conditions. ClinVar contains an entry for this variant (Variation ID: 1760974). Advanced modeling of protein sequence and biophysical properties (such as structural, functional, and spatial information, amino acid conservation, physicochemical variation, residue mobility, and thermodynamic stability) performed at Invitae indicates that this missense variant is not expected to disrupt APC protein function with a negative predictive value of 95%. In summary, the available evidence is currently insufficient to determine the role of this variant in disease. Therefore, it has been classified as a Variant of Uncertain Significance.